The following is an entry in ClinVar:

NM_001367624.2(ZNF469):c.183C>T (p.Pro61=)

Gene: ZNF469 (zinc finger protein 469; plus strand). Cytogenetic location: 16q24.2.
Variant type: single nucleotide variant.
Coding change: c.183C>T on transcript NM_001367624.2 (MANE Select); coding-DNA position 183, C replaced by T.
Protein change: p.Pro61=; no amino-acid change (proline 61 retained).
Molecular consequence: synonymous variant.
Genome position (GRCh38, 1-based): chr16:88,427,653, C>T. VCF-style: chr16-88427653-C-T. GRCh37 (hg19) VCF-style: chr16-88494061-C-T.
Other names: NM_001127464.1:c.183C>T.
Identifiers: ClinVar variation 514884 (VCV000514884.17), dbSNP rs746875261, ClinGen allele CA8224572.

ClinVar aggregate classification (germline): Likely benign. Review status: criteria provided, multiple submitters, no conflicts (2 of 4 stars). 4 submissions from 4 submitters: Likely benign (4). Last evaluated 2025-08-04.

Conditions:
Cardiovascular phenotype. Identifiers: MedGen CN230736.

Allele frequency attached by ClinVar (database versions not stated): ExAC 0.00017; gnomAD 0.00001.
gnomAD v4.1: 127 of 1,536,734 alleles (0.0083%); highest among the groups gnomAD compares: South Asian, 0.018%; no homozygotes.

Submissions (4):

Labcorp Genetics (formerly Invitae), Labcorp
Classification: Likely benign. Last evaluated: 2025-08-04. Review status: criteria provided, single submitter. Criteria: Invitae Variant Classification Sherloc (09022015). Collection method: clinical testing. Allele origin: germline.

CeGaT Center for Human Genetics Tuebingen
Classification: Likely benign. Last evaluated: 2025-02-01. Review status: criteria provided, single submitter. Criteria: CeGaT Center For Human Genetics Tuebingen Variant Classification Criteria Version 2. Collection method: clinical testing. Allele origin: germline. Affected: yes. Observed: 1 variant allele.
Comment: ZNF469: BP4, BP7

Ambry Genetics
Classification: Likely benign for Cardiovascular phenotype. Last evaluated: 2023-02-03. Review status: criteria provided, single submitter. Criteria: Ambry Variant Classification Scheme 2023. Collection method: clinical testing. Allele origin: germline.

GeneDx
Classification: Likely benign. Last evaluated: 2019-09-19. Review status: criteria provided, single submitter. Criteria: GeneDx Variant Classification Process June 2021. Collection method: clinical testing. Allele origin: germline. Affected: yes.